The following is an entry in ClinVar:

NM_005321.3(H1-4):c.425dup (p.Ala144fs)

Gene: H1-4 (H1.4 linker histone, cluster member; plus strand). Cytogenetic location: 6p22.2.
Variant type: Duplication.
Coding change: c.425dup on transcript NM_005321.3 (MANE Select); coding-DNA position 425, one base duplicated (C; older notation c.425dupC).
Protein change: p.Ala144fs; shifts the reading frame from alanine 144.
Molecular consequence: frameshift variant.
Genome position (GRCh38, 1-based): chr6:26,156,815, C duplicated. VCF-style (leftmost placement, unchanged base first): chr6-26156814-A-AC. GRCh37 (hg19) VCF-style: chr6-26157042-A-AC.
Other names: short protein forms A144fs.
Identifiers: ClinVar variation 4874764 (VCV004874764.2).

ClinVar aggregate classification (germline): Likely pathogenic (1 of 4 stars; one submission).

Submission:

CeGaT Center for Human Genetics Tuebingen
Classification: Likely pathogenic. Last evaluated: 2026-04-01. Review status: criteria provided, single submitter. Criteria: CeGaT Center For Human Genetics Tuebingen Variant Classification Criteria Version 2. Collection method: clinical testing. Allele origin: germline. Affected: yes. Observed: 1 variant allele.
Comment: H1-4: PVS1:Strong, PM2